The following is an entry in ClinVar:

NM_032043.3(BRIP1):c.720A>C (p.Lys240Asn)

Gene: BRIP1 (BRCA1 interacting DNA helicase 1; minus strand). Cytogenetic location: 17q23.2.
Variant type: single nucleotide variant.
Coding change: c.720A>C on transcript NM_032043.3 (MANE Select); coding-DNA position 720, A replaced by C.
Protein change: p.Lys240Asn; replaces lysine 240 with asparagine.
Molecular consequence: missense variant.
Genome position (GRCh38, 1-based): chr17:61,808,665, T>G on the plus strand (A>C on the coding strand, the complement: BRIP1 is on the minus strand). VCF-style: chr17-61808665-T-G. GRCh37 (hg19) VCF-style: chr17-59886026-T-G.
Other names: short protein forms K240N.
Identifiers: ClinVar variation 1757699 (VCV001757699.2), dbSNP rs1259212372, ClinGen allele CA400485054.

ClinVar aggregate classification (germline): Uncertain significance (1 of 4 stars; one submission).

Conditions:
Hereditary cancer-predisposing syndrome. Also called: Neoplastic Syndromes, Hereditary; Tumor predisposition; Hereditary Cancer Syndrome; Hereditary neoplastic syndrome. Identifiers: Orphanet 140162, MedGen C0027672, MeSH D009386, MONDO:0015356.

Submission:

Ambry Genetics
Classification: Uncertain significance for Hereditary cancer-predisposing syndrome. Last evaluated: 2020-11-20. Review status: criteria provided, single submitter. Criteria: Ambry Variant Classification Scheme 2023. Collection method: clinical testing. Allele origin: germline.
Comment: The p.K240N variant (also known as c.720A>C), located in coding exon 6 of the BRIP1 gene, results from an A to C substitution at nucleotide position 720. The lysine at codon 240 is replaced by asparagine, an amino acid with similar properties. This amino acid position is not well conserved in available vertebrate species. In addition, this alteration is predicted to be tolerated by in silico analysis. Since supporting evidence is limited at this time, the clinical significance of this alteration remains unclear.